The following is an entry in ClinVar:

NM_001191061.2(SLC25A22):c.292G>A (p.Gly98Arg)

Gene: SLC25A22 (solute carrier family 25 member 22; minus strand). Cytogenetic location: 11p15.5.
Variant type: single nucleotide variant.
Coding change: c.292G>A on transcript NM_001191061.2 (MANE Select); coding-DNA position 292, G replaced by A.
Protein change: p.Gly98Arg; replaces glycine 98 with arginine.
Molecular consequence: missense variant.
Genome position (GRCh38, 1-based): chr11:793,530, C>T on the plus strand (G>A on the coding strand, the complement: SLC25A22 is on the minus strand). VCF-style: chr11-793530-C-T. GRCh37 (hg19) VCF-style: chr11-793530-C-T.
Other names: p.G98R:GGG>AGG; c.292G>A, p.Gly98Arg (NM_001191060.2, NM_024698.6); short protein forms G98R.
Identifiers: ClinVar variation 207164 (VCV000207164.8), dbSNP rs781514122, ClinGen allele CA318370.

ClinVar aggregate classification (germline): Uncertain significance. Review status: criteria provided, multiple submitters, no conflicts (2 of 4 stars). 2 submissions from 2 submitters: Uncertain significance (2). Last evaluated 2022-10-25.

Conditions:
Developmental and epileptic encephalopathy. Identifiers: MedGen C5779964, MONDO:0100620.

Allele frequency attached by ClinVar (database versions not stated): ExAC 0.00001; TOPMed 0.00001; gnomAD exomes 0.00002 and 0.00003.

Submissions (2):

Labcorp Genetics (formerly Invitae), Labcorp
Classification: Uncertain significance for Early-infantile DEE. Last evaluated: 2022-10-25. Review status: criteria provided, single submitter. Criteria: Invitae Variant Classification Sherloc (09022015). Collection method: clinical testing. Allele origin: germline.
Comment: This sequence change replaces glycine, which is neutral and non-polar, with arginine, which is basic and polar, at codon 98 of the SLC25A22 protein (p.Gly98Arg). This variant is present in population databases (rs781514122, gnomAD 0.007%). This variant has not been reported in the literature in individuals affected with SLC25A22-related conditions. ClinVar contains an entry for this variant (Variation ID: 207164). Algorithms developed to predict the effect of missense changes on protein structure and function are either unavailable or do not agree on the potential impact of this missense change (SIFT: "Deleterious"; PolyPhen-2: "Probably Damaging"; Align-GVGD: "Class C0"). In summary, the available evidence is currently insufficient to determine the role of this variant in disease. Therefore, it has been classified as a Variant of Uncertain Significance.

GeneDx
Classification: Uncertain significance. Last evaluated: 2013-06-07. Review status: criteria provided, single submitter. Criteria: GeneDx Variant Classification (06012015). Collection method: clinical testing. Allele origin: germline. Affected: yes.
Comment: p.Gly98Arg (GGG>AGG): c.292 G>A in exon 5 of the SLC25A22 gene (NM_024698.4). The Gly98Arg missense change has not been published as a mutation, nor has it been reported as a benign polymorphism to our knowledge. It was not observed in approximately 6,500 individuals of European and African American ancestry in the NHLBI Exome Sequencing Project, indicating it is not a common benign variant in these populations. Gly98Arg is a non-conservative amino acid substitution as an uncharged, nonpolar Glycine residue is replaced by a positively charged Arginine residue at a conserved position in the protein. Some in silico models predict Gly98Arg is possibly damaging to the structure/function of the protein, while another model predicts that the change is possibly benign. Therefore, based on the currently available information, it is unclear whether Gly98Arg is a disease-causing mutation or a rare benign variant. The variant is found in INFANT-EPI panel(s).